The following is an entry in ClinVar:

ClinVar aggregate classification (germline): Likely pathogenic. Review status: criteria provided, multiple submitters, no conflicts (2 of 4 stars). 4 submissions from 4 submitters: Likely pathogenic (4). Last evaluated 2023-09-21.

Conditions:
Hereditary cancer-predisposing syndrome. Also called: Hereditary neoplastic syndrome; Neoplastic Syndromes, Hereditary; Tumor predisposition; Hereditary Cancer Syndrome. Identifiers: Orphanet 140162, MedGen C0027672, MeSH D009386, MONDO:0015356.
Lynch syndrome 4 (LYNCH4). Also called: Hereditary non-polyposis colorectal cancer, type 4; Colorectal cancer, hereditary nonpolyposis, type 4. Identifiers: Orphanet 144, MedGen C1838333, MONDO:0013699, OMIM 614337. Disease mechanism: loss of function.
Mismatch repair cancer syndrome 4. Identifiers: MedGen C5436817, MONDO:0030843, OMIM 619101.

Submissions (4):

Myriad Genetics, Inc.
Classification: Likely pathogenic for Lynch syndrome 4. Last evaluated: 2023-09-21. Review status: criteria provided, single submitter. Criteria: Myriad Autosomal Dominant, Autosomal Recessive and X-Linked Classification Criteria (2023). Collection method: clinical testing. Allele origin: unknown.
Comment: This variant is considered likely pathogenic. This variant occurs within a consensus splice junction and is predicted to result in abnormal mRNA splicing of either an out-of-frame exon or an in-frame exon necessary for protein stability and/or normal function.

GeneDx
Classification: Likely pathogenic. Last evaluated: 2023-03-07. Review status: criteria provided, single submitter. Criteria: GeneDx Variant Classification Process June 2021. Collection method: clinical testing. Allele origin: germline. Affected: yes.
Comment: Canonical splice site variant predicted to result in a null allele in a gene for which loss of function is a known mechanism of disease; Not observed at significant frequency in large population cohorts (gnomAD); Observed in conjunction with another PMS2 variant in a child with colorectal cancer, however phase of variants is unknown (Martinez et al., 2017); This variant is associated with the following publications: (PMID: 27820123)

Ambry Genetics
Classification: Likely pathogenic for Hereditary cancer-predisposing syndrome. Last evaluated: 2019-03-12. Review status: criteria provided, single submitter. Criteria: Ambry Variant Classification Scheme 2023. Collection method: clinical testing. Allele origin: germline.
Comment: The c.2175-2A>G intronic variant results from an A to G substitution two nucleotides upstream from coding exon 13 in the PMS2 gene. This nucleotide position is highly conserved in available vertebrate species. Using the BDGP and ESEfinder splice site prediction tools, this alteration is predicted to abolish the native splice acceptor site; however, direct evidence is unavailable. Alterations that disrupt the canonical splice site are expected to cause aberrant splicing, resulting in an abnormal protein or a transcript that is subject to nonsense-mediated mRNA decay. As such, this alteration is classified as likely pathogenic.

Juno Genomics, Hangzhou Juno Genomics, Inc
Classification: Likely pathogenic for Lynch syndrome 4; Mismatch repair cancer syndrome 4. Review status: criteria provided, single submitter. Criteria: ACMG Guidelines, 2015. Collection method: clinical testing. Allele origin: germline.
Comment: Null variant in a gene where loss of function (LOF) is a known mechanism of disease.;Absent from controls (or at extremely low frequency if recessive) in Genome Aggregation Database.

Literature cited by the submitters: PubMed 27820123 (cited by Ambry Genetics).

NM_000535.7(PMS2):c.2175-2A>G

Gene: PMS2 (PMS1 homolog 2, mismatch repair system component; minus strand). Cytogenetic location: 7p22.1.
Variant type: single nucleotide variant.
Coding change: c.2175-2A>G on transcript NM_000535.7 (MANE Select); the canonical splice acceptor site of the intron before coding-DNA position 2175, A replaced by G.
Molecular consequence: splice acceptor variant. On other transcripts: intron variant (2).
Genome position (GRCh38, 1-based): chr7:5,978,698, T>C on the plus strand (A>G on the coding strand, the complement: PMS2 is on the minus strand). VCF-style: chr7-5978698-T-C. GRCh37 (hg19) VCF-style: chr7-6018329-T-C.
Other names: c.1857-2A>G (NM_001322008.2, NM_001406883.1, NM_001322007.2 and 1 more transcripts); c.1866-2A>G (NM_001406881.1, NM_001406879.1, NM_001322015.2 and 5 more transcripts); c.1770-2A>G (NM_001406895.1, NM_001322004.2, NM_001406889.1 and 14 more transcripts); c.1404-2A>G (NM_001406911.1); c.1614-2A>G (NM_001322010.2, NM_001406906.1, NM_001406907.1); c.1701-2A>G (NM_001406902.1, NM_001406901.1); c.1662-2A>G (NM_001406904.1, NM_001406905.1); c.1602-2A>G (NM_001322013.2, NM_001406908.1, NM_001406909.1); and 16 more.
Identifiers: ClinVar variation 1787167 (VCV001787167.6), dbSNP rs2128684295, ClinGen allele CA366737003.